The following is an entry in ClinVar:

NM_000246.4(CIITA):c.701C>G (p.Ser234Cys)

Gene: CIITA (class II major histocompatibility complex transactivator; plus strand). Cytogenetic location: 16p13.13.
Variant type: single nucleotide variant.
Coding change: c.701C>G on transcript NM_000246.4 (MANE Select); coding-DNA position 701, C replaced by G.
Protein change: p.Ser234Cys; replaces serine 234 with cysteine.
Molecular consequence: missense variant. On other transcripts: non-coding transcript variant (1).
Genome position (GRCh38, 1-based): chr16:10,902,730, C>G. VCF-style: chr16-10902730-C-G. GRCh37 (hg19) VCF-style: chr16-10996587-C-G.
Other names: c.704C>G, p.Ser235Cys (NM_001286402.1, NM_001379332.1); c.554C>G, p.Ser185Cys (NM_001286403.2, NM_001379331.1); c.557C>G, p.Ser186Cys (NM_001379330.1); c.701C>G, p.Ser234Cys (NM_001379333.1); c.632C>G, p.Ser211Cys (NM_001379334.1); short protein forms S185C, S186C, S234C, S211C, S235C.
Identifiers: ClinVar variation 2191720 (VCV002191720.2), dbSNP rs2544413755, ClinGen allele CA394728683.

ClinVar aggregate classification (germline): Uncertain significance (1 of 4 stars; one submission).

Conditions:
MHC class II deficiency. Also called: Bare lymphocyte syndrome 2; BLS, TYPE II. Identifiers: Orphanet 572, MedGen C5447452, MONDO:0008855.

Allele frequency attached by ClinVar (database versions not stated): gnomAD exomes below 0.00001.
gnomAD v4.1: 1 of 1,614,256 alleles (0.000062%); highest among the groups gnomAD compares: Non-Finnish European, 0.000085%; no homozygotes.

Submission:

Labcorp Genetics (formerly Invitae), Labcorp
Classification: Uncertain significance for MHC class II deficiency. Last evaluated: 2022-04-28. Review status: criteria provided, single submitter. Criteria: Invitae Variant Classification Sherloc (09022015). Collection method: clinical testing. Allele origin: germline.
Comment: This sequence change replaces serine, which is neutral and polar, with cysteine, which is neutral and slightly polar, at codon 234 of the CIITA protein (p.Ser234Cys). This variant is not present in population databases (gnomAD no frequency). This variant has not been reported in the literature in individuals affected with CIITA-related conditions. Algorithms developed to predict the effect of missense changes on protein structure and function are either unavailable or do not agree on the potential impact of this missense change (SIFT: "Deleterious"; PolyPhen-2: "Possibly Damaging"; Align-GVGD: "Class C0"). In summary, the available evidence is currently insufficient to determine the role of this variant in disease. Therefore, it has been classified as a Variant of Uncertain Significance.